The following is an entry in ClinVar:

ClinVar aggregate classification (germline): Uncertain significance (1 of 4 stars; one submission).

Conditions:
Inborn genetic diseases. Identifiers: MedGen C0950123, MeSH D030342.

Submission:

Ambry Genetics
Classification: Uncertain significance for Inborn genetic diseases. Last evaluated: 2025-01-08. Review status: criteria provided, single submitter. Criteria: Ambry Variant Classification Scheme 2023. Collection method: clinical testing. Allele origin: germline.
Comment: The p.H706R variant (also known as c.2117A>G), located in coding exon 13 of the ASXL1 gene, results from an A to G substitution at nucleotide position 2117. The histidine at codon 706 is replaced by arginine, an amino acid with highly similar properties. This amino acid position is conserved. In addition, this alteration is predicted to be tolerated by in silico analysis. Based on the available evidence, the clinical significance of this variant remains unclear.

NM_015338.6(ASXL1):c.2117A>G (p.His706Arg)

Gene: ASXL1 (ASXL transcriptional regulator 1; plus strand). Cytogenetic location: 20q11.21.
Variant type: single nucleotide variant.
Coding change: c.2117A>G on transcript NM_015338.6 (MANE Select); coding-DNA position 2117, A replaced by G.
Protein change: p.His706Arg; replaces histidine 706 with arginine.
Molecular consequence: missense variant.
Genome position (GRCh38, 1-based): chr20:32,434,829, A>G. VCF-style: chr20-32434829-A-G. GRCh37 (hg19) VCF-style: chr20-31022632-A-G.
Other names: c.1934A>G, p.His645Arg (NM_001363734.1); short protein forms H706R, H645R.
Identifiers: ClinVar variation 3792083 (VCV003792083.1).
Genomic context (GRCh38, chr20:32,434,829, plus strand): 5'-AGTGTACGTCAGATCTACAGCGAACACAACTACTGCCGCCTTATCCTCTAAATGGGGAGC[A>G]TACCCAGGCCGGAACTGCCATGTCCAGAGCTAGGAGAGAGGACCTGCCTTCTCTGAGAAA-3'
Protein context (NP_056153.2, residues 696-716): LLPPYPLNGE[His706Arg]TQAGTAMSRA